The following is an entry in ClinVar:

NM_016239.4(MYO15A):c.3756+6G>A

Gene: MYO15A (myosin XVA; plus strand). Cytogenetic location: 17p11.2.
Variant type: single nucleotide variant.
Coding change: c.3756+6G>A on transcript NM_016239.4 (MANE Select); 6 bases into the intron after coding-DNA position 3756, G replaced by A.
Molecular consequence: intron variant.
Genome position (GRCh38, 1-based): chr17:18,125,237, G>A. VCF-style: chr17-18125237-G-A. GRCh37 (hg19) VCF-style: chr17-18028551-G-A.
Identifiers: ClinVar variation 1928834 (VCV001928834.4), dbSNP rs1180828912, ClinGen allele CA726658219.

ClinVar aggregate classification (germline): Uncertain significance (1 of 4 stars; one submission).

Allele frequency attached by ClinVar (database versions not stated): TOPMed below 0.00001; gnomAD 0.00001.
gnomAD v4.1: 5 of 1,613,892 alleles (0.00031%); highest among the groups gnomAD compares: Admixed American, 0.0033%; no homozygotes.

Submission:

Labcorp Genetics (formerly Invitae), Labcorp
Classification: Uncertain significance. Last evaluated: 2025-08-18. Review status: criteria provided, single submitter. Criteria: Invitae Variant Classification Sherloc (09022015). Collection method: clinical testing. Allele origin: germline.
Comment: This sequence change falls in intron 4 of the MYO15A gene. It does not directly change the encoded amino acid sequence of the MYO15A protein. It affects a nucleotide within the consensus splice site. This variant is not present in population databases (gnomAD no frequency). This variant has not been reported in the literature in individuals affected with MYO15A-related conditions. ClinVar contains an entry for this variant (Variation ID: 1928834). Variants that disrupt the consensus splice site are a relatively common cause of aberrant splicing (PMID: 17576681, 9536098). Algorithms developed to predict the effect of sequence changes on RNA splicing suggest that this variant is not likely to affect RNA splicing. In summary, the available evidence is currently insufficient to determine the role of this variant in disease. Therefore, it has been classified as a Variant of Uncertain Significance.

Literature cited by the submitters: PubMed 17576681; PubMed 9536098.